The following is an entry in ClinVar:

ClinVar aggregate classification (germline): Uncertain significance. Review status: criteria provided, multiple submitters, no conflicts (2 of 4 stars). 2 submissions from 2 submitters: Uncertain significance (2). Last evaluated 2024-12-17.

Conditions:
Methylmalonic acidemia with homocystinuria, type cblJ (MAHCJ). Also called: METHYLMALONIC ACIDURIA AND HOMOCYSTINURIA, cblJ TYPE. Identifiers: Orphanet 369955, MedGen C3553915, MONDO:0013925, OMIM 614857.

Allele frequency attached by ClinVar (database versions not stated): gnomAD 0.00001 and 0.00002; gnomAD exomes 0.00002; TOPMed 0.00002; ExAC 0.00003.
gnomAD v4.1: 24 of 1,613,102 alleles (0.0015%); highest among the groups gnomAD compares: African/African-American, 0.0053%; no homozygotes.

Submissions (2):

Labcorp Genetics (formerly Invitae), Labcorp
Classification: Uncertain significance for Methylmalonic acidemia with homocystinuria, type cblJ. Last evaluated: 2024-12-17. Review status: criteria provided, single submitter. Criteria: Invitae Variant Classification Sherloc (09022015). Collection method: clinical testing. Allele origin: germline.
Comment: This sequence change affects codon 526 of the ABCD4 mRNA. It is a 'silent' change, meaning that it does not change the encoded amino acid sequence of the ABCD4 protein. This variant is present in population databases (rs555792734, gnomAD 0.004%). This variant has not been reported in the literature in individuals affected with ABCD4-related conditions. ClinVar contains an entry for this variant (Variation ID: 652295). Algorithms developed to predict the effect of sequence changes on RNA splicing suggest that this variant may create or strengthen a splice site. In summary, the available evidence is currently insufficient to determine the role of this variant in disease. Therefore, it has been classified as a Variant of Uncertain Significance.

GeneDx
Classification: Uncertain significance. Last evaluated: 2023-05-25. Review status: criteria provided, single submitter. Criteria: GeneDx Variant Classification Process June 2021. Collection method: clinical testing. Allele origin: germline. Affected: yes.
Comment: Not observed at significant frequency in large population cohorts (gnomAD); In silico analysis suggests this variant may impact gene splicing. In the absence of RNA/functional studies, the actual effect of this sequence change is unknown.; Has not been previously published as pathogenic or benign to our knowledge

NM_005050.4(ABCD4):c.1578G>A (p.Pro526=)

Gene: ABCD4 (ATP binding cassette subfamily D member 4; minus strand). Cytogenetic location: 14q24.3.
Variant type: single nucleotide variant.
Coding change: c.1578G>A on transcript NM_005050.4 (MANE Select); coding-DNA position 1578, G replaced by A.
Protein change: p.Pro526=; no amino-acid change (proline 526 retained).
Molecular consequence: synonymous variant. On other transcripts: missense variant (1), non-coding transcript variant (10).
Genome position (GRCh38, 1-based): chr14:74,287,868, C>T on the plus strand (G>A on the coding strand, the complement: ABCD4 is on the minus strand). VCF-style: chr14-74287868-C-T. GRCh37 (hg19) VCF-style: chr14-74754571-C-T.
Other names: c.1452G>A, p.Pro484= (NM_001353591.2, NM_001353592.2); c.1317G>A, p.Pro439= (NM_001353593.2); c.1266G>A, p.Pro422= (NM_001353594.2); c.1164G>A, p.Pro388= (NM_001353595.2, NM_001353596.2); c.1113G>A, p.Pro371= (NM_001353597.2); c.1101G>A, p.Pro367= (NM_001353598.2, NM_001353599.2, NM_001353600.2 and 2 more transcripts); c.789G>A, p.Pro263= (NM_001353602.2, NM_001353603.2, NM_001353604.2 and 5 more transcripts); c.845G>A, p.Arg282Gln (NM_001353610.2); and 1 more; short protein forms R282Q.
Identifiers: ClinVar variation 652295 (VCV000652295.9), dbSNP rs555792734, ClinGen allele CA7266684.